The following is an entry in ClinVar:

NM_024675.4(PALB2):c.347T>C (p.Leu116Ser)

Gene: PALB2 (partner and localizer of BRCA2; minus strand). Cytogenetic location: 16p12.2.
Variant type: single nucleotide variant.
Coding change: c.347T>C on transcript NM_024675.4 (MANE Select); coding-DNA position 347, T replaced by C.
Protein change: p.Leu116Ser; replaces leucine 116 with serine.
Molecular consequence: missense variant.
Genome position (GRCh38, 1-based): chr16:23,636,199, A>G on the plus strand (T>C on the coding strand, the complement: PALB2 is on the minus strand). VCF-style: chr16-23636199-A-G. GRCh37 (hg19) VCF-style: chr16-23647520-A-G.
Other names: short protein forms L116S.
Identifiers: ClinVar variation 838629 (VCV000838629.10), dbSNP rs876660465, ClinGen allele CA395137706.

ClinVar aggregate classification (germline): Uncertain significance (1 of 4 stars; one submission).

Conditions:
Familial cancer of breast. Also called: Hereditary breast cancer; hereditary breast carcinoma; BREAST CANCER, FAMILIAL. Identifiers: Orphanet 227535, MedGen C0346153, MONDO:0016419, OMIM 114480. Disease mechanism: loss of function.

Submission:

Labcorp Genetics (formerly Invitae), Labcorp
Classification: Uncertain significance for Familial cancer of breast. Last evaluated: 2020-07-23. Review status: criteria provided, single submitter. Criteria: Invitae Variant Classification Sherloc (09022015). Collection method: clinical testing. Allele origin: germline.
Comment: This sequence change replaces leucine with serine at codon 116 of the PALB2 protein (p.Leu116Ser). The leucine residue is moderately conserved and there is a large physicochemical difference between leucine and serine. In summary, the available evidence is currently insufficient to determine the role of this variant in disease. Therefore, it has been classified as a Variant of Uncertain Significance. Algorithms developed to predict the effect of missense changes on protein structure and function output the following: SIFT: "Tolerated"; PolyPhen-2: "Benign"; Align-GVGD: "Class C0". The serine amino acid residue is found in multiple mammalian species, suggesting that this missense change does not adversely affect protein function. These predictions have not been confirmed by published functional studies and their clinical significance is uncertain. This variant has not been reported in the literature in individuals with PALB2-related conditions. This variant is not present in population databases (ExAC no frequency).